The following is an entry in ClinVar:

ClinVar aggregate classification (germline): Pathogenic (1 of 4 stars; one submission).

Conditions:
Bardet-Biedl syndrome (BBS). Identifiers: Orphanet 110, MedGen C0752166, MONDO:0015229.

Submission:

Labcorp Genetics (formerly Invitae), Labcorp
Classification: Pathogenic for Bardet-Biedl syndrome. Last evaluated: 2019-09-24. Review status: criteria provided, single submitter. Criteria: Invitae Variant Classification Sherloc (09022015). Collection method: clinical testing. Allele origin: germline.
Comment: This sequence change results in a premature translational stop signal in the BBS12 gene (p.Met141Ilefs*11). While this is not anticipated to result in nonsense mediated decay, it is expected to disrupt the last 570 amino acids of the BBS12 protein. This variant is not present in population databases (ExAC no frequency). This variant has not been reported in the literature in individuals with BBS12-related conditions. This variant disrupts the C-terminus of the BBS12 protein. Other variant(s) that disrupt this region (p.Arg675*) have been determined to be pathogenic (PMID: 20827784, 21642631). This suggests that variants that disrupt this region of the protein are likely to be causative of disease. For these reasons, this variant has been classified as Pathogenic.

Literature cited by the submitters: PubMed 20827784; PubMed 21642631.

NM_152618.3(BBS12):c.422dup (p.Met141fs)

Gene: BBS12 (Bardet-Biedl syndrome 12; plus strand). Cytogenetic location: 4q27.
Variant type: Duplication.
Coding change: c.422dup on transcript NM_152618.3 (MANE Select); coding-DNA position 422, one base duplicated (T; older notation c.422dupT).
Protein change: p.Met141fs; shifts the reading frame from methionine 141.
Molecular consequence: frameshift variant.
Genome position (GRCh38, 1-based): chr4:122,742,314, T duplicated. VCF-style (leftmost placement, unchanged base first): chr4-122742313-A-AT. GRCh37 (hg19) VCF-style: chr4-123663468-A-AT.
Other names: c.422dup, p.Met141fs (NM_001178007.2); short protein forms M141fs.
Identifiers: ClinVar variation 961020 (VCV000961020.6), dbSNP rs1800890010, ClinGen allele CA913103431.
Genomic context (GRCh38, chr4:122,742,313, plus strand): 5'-AACTTTTGTAGTGAAGAGGTAGTTTCTCTTCATGTACCTGTTCACAATATATTTGACTGT[A>AT]TGGACAGCACAAAAACATTTTCTCAACTTGAAACATTTAGTGTAAGTTTGTGTCCTTTTC-3'